The following is an entry in ClinVar:

ClinVar aggregate classification (germline): Uncertain significance (1 of 4 stars; one submission).

Conditions:
Multiple endocrine neoplasia, type 2 (MEN2). Identifiers: Orphanet 653, MedGen C4048306, MONDO:0019003. Disease mechanism: gain of function.

Submission:

Labcorp Genetics (formerly Invitae), Labcorp
Classification: Uncertain significance for Multiple endocrine neoplasia, type 2. Last evaluated: 2025-08-20. Review status: criteria provided, single submitter. Criteria: Invitae Variant Classification Sherloc (09022015). Collection method: clinical testing. Allele origin: germline.
Comment: This sequence change replaces threonine, which is neutral and polar, with asparagine, which is neutral and polar, at codon 369 of the RET protein (p.Thr369Asn). This variant is not present in population databases (gnomAD no frequency). This variant has not been reported in the literature in individuals affected with RET-related conditions. ClinVar contains an entry for this variant (Variation ID: 2098775). An algorithm developed to predict the effect of missense changes on protein structure and function (PolyPhen-2) suggests that this variant is likely to be tolerated. In summary, the available evidence is currently insufficient to determine the role of this variant in disease. Therefore, it has been classified as a Variant of Uncertain Significance.

NM_020975.6(RET):c.1106C>A (p.Thr369Asn)

Gene: RET (ret proto-oncogene; plus strand). Cytogenetic location: 10q11.21.
Variant type: single nucleotide variant.
Coding change: c.1106C>A on transcript NM_020975.6 (MANE Select); coding-DNA position 1106, C replaced by A.
Protein change: p.Thr369Asn; replaces threonine 369 with asparagine.
Molecular consequence: missense variant.
Genome position (GRCh38, 1-based): chr10:43,109,073, C>A. VCF-style: chr10-43109073-C-A. GRCh37 (hg19) VCF-style: chr10-43604521-C-A.
Other names: c.1106C>A, p.Thr369Asn (NM_000323.2, NM_001406743.1, NM_020629.2 and 6 more transcripts); c.344C>A, p.Thr115Asn (NM_001355216.2); c.977C>A, p.Thr326Asn (NM_001406768.1, NM_001406761.1, NM_001406762.1 and 1 more transcripts); c.818C>A, p.Thr273Asn (NM_001406770.1, NM_001406766.1, NM_001406767.1); c.668C>A, p.Thr223Asn (NM_001406771.1, NM_001406773.1); c.380C>A, p.Thr127Asn (NM_001406775.1, NM_001406776.1, NM_001406777.1 and 1 more transcripts); c.116C>A, p.Thr39Asn (NM_001406784.1); short protein forms T223N, T273N, T369N, T39N, T115N, T127N, T326N.
Identifiers: ClinVar variation 2098775 (VCV002098775.4), dbSNP rs2132743693, ClinGen allele CA376547336.